The following is an entry in ClinVar:

ClinVar aggregate classification (germline): Uncertain significance. Review status: criteria provided, multiple submitters, no conflicts (2 of 4 stars). 2 submissions from 2 submitters: Uncertain significance (2). Last evaluated 2025-11-11.

Conditions:
Inborn genetic diseases. Identifiers: MedGen C0950123, MeSH D030342.

Allele frequency attached by ClinVar (database versions not stated): TOPMed 0.00001; gnomAD exomes 0.00002; ExAC 0.00004.

Submissions (2):

Ambry Genetics
Classification: Uncertain significance for Inborn genetic diseases. Last evaluated: 2025-11-11. Review status: criteria provided, single submitter. Criteria: Ambry Variant Classification Scheme 2023. Collection method: clinical testing. Allele origin: germline.

Labcorp Genetics (formerly Invitae), Labcorp
Classification: Uncertain significance. Last evaluated: 2023-12-06. Review status: criteria provided, single submitter. Criteria: Invitae Variant Classification Sherloc (09022015). Collection method: clinical testing. Allele origin: germline.
Comment: This sequence change replaces lysine, which is basic and polar, with glutamic acid, which is acidic and polar, at codon 891 of the TMTC3 protein (p.Lys891Glu). This variant is present in population databases (rs755684833, gnomAD 0.04%). This variant has not been reported in the literature in individuals affected with TMTC3-related conditions. ClinVar contains an entry for this variant (Variation ID: 2006192). An algorithm developed to predict the effect of missense changes on protein structure and function (PolyPhen-2) suggests that this variant¬†is likely to be tolerated. In summary, the available evidence is currently insufficient to determine the role of this variant in disease. Therefore, it has been classified as a Variant of Uncertain Significance.

NM_181783.4(TMTC3):c.2671A>G (p.Lys891Glu)

Gene: TMTC3 (transmembrane O-mannosyltransferase targeting cadherins 3; plus strand). Cytogenetic location: 12q21.32.
Variant type: single nucleotide variant.
Coding change: c.2671A>G on transcript NM_181783.4 (MANE Select); coding-DNA position 2671, A replaced by G.
Protein change: p.Lys891Glu; replaces lysine 891 with glutamic acid.
Molecular consequence: missense variant. On other transcripts: non-coding transcript variant (1).
Genome position (GRCh38, 1-based): chr12:88,195,575, A>G. VCF-style: chr12-88195575-A-G. GRCh37 (hg19) VCF-style: chr12-88589352-A-G.
Other names: c.2671A>G (NM_181783.3); c.2491A>G, p.Lys831Glu (NM_001366574.1); c.2452A>G, p.Lys818Glu (NM_001366579.1); c.2404A>G, p.Lys802Glu (NM_001366580.1); c.1978A>G, p.Lys660Glu (NM_001366583.1); short protein forms K660E, K802E, K831E, K891E, K818E.
Identifiers: ClinVar variation 2006192 (VCV002006192.3), dbSNP rs755684833, ClinGen allele CA6713514.
Genomic context (GRCh38, chr12:88,195,575, plus strand): 5'-AACAAACAATTAGGAAAAAATGGAGACGAAGAGACACCCCACAAAACAACAAAAGACATC[A>G]AAGAAATTGAGAAGAAAAGAGTTGCTGCTTTAAAAAGACTAGAAGAGATTGAACGTATTT-3'
Protein context (NP_861448.2, residues 881-901): ETPHKTTKDI[Lys891Glu]EIEKKRVAAL